The following is an entry in ClinVar:

ClinVar aggregate classification (germline): Uncertain significance (1 of 4 stars; one submission).

Conditions:
Microcephaly, normal intelligence and immunodeficiency (NBS). Also called: BERLIN BREAKAGE SYNDROME; Immunodeficiency, microcephaly with normal intelligence; Ataxia telangiectasia variant V1; Nijmegen breakage syndrome; Microcephaly with normal intelligence immunodeficiency and lymphoreticular malignancies; Nonsyndromal microcephaly autosomal recessive with normal intelligence. Identifiers: Orphanet 647, MedGen C0398791, MONDO:0009623, OMIM 251260.

Submission:

Labcorp Genetics (formerly Invitae), Labcorp
Classification: Uncertain significance for Microcephaly, normal intelligence and immunodeficiency. Last evaluated: 2018-06-06. Review status: criteria provided, single submitter. Criteria: Invitae Variant Classification Sherloc (09022015). Collection method: clinical testing. Allele origin: germline.
Comment: In summary, the available evidence is currently insufficient to determine the role of this variant in disease. Therefore, it has been classified as a Variant of Uncertain Significance. Algorithms developed to predict the effect of missense changes on protein structure and function are either unavailable or do not agree on the potential impact of this missense change (SIFT: "Deleterious"; PolyPhen-2: "Probably Damaging"; Align-GVGD: "Class C0"). This variant has not been reported in the literature in individuals with NBN-related disease. This variant is not present in population databases (ExAC no frequency). This sequence change replaces cysteine with tyrosine at codon 31 of the NBN protein (p.Cys31Tyr). The cysteine residue is moderately conserved and there is a large physicochemical difference between cysteine and tyrosine.

NM_002485.5(NBN):c.92G>A (p.Cys31Tyr)

Gene: NBN (nibrin; minus strand). Cytogenetic location: 8q21.3.
Variant type: single nucleotide variant.
Coding change: c.92G>A on transcript NM_002485.5 (MANE Select); coding-DNA position 92, G replaced by A.
Protein change: p.Cys31Tyr; replaces cysteine 31 with tyrosine.
Molecular consequence: missense variant. On other transcripts: 5 prime UTR variant (1).
Genome position (GRCh38, 1-based): chr8:89,982,801, C>T on the plus strand (G>A on the coding strand, the complement: NBN is on the minus strand). VCF-style: chr8-89982801-C-T. GRCh37 (hg19) VCF-style: chr8-90995029-C-T.
Other names: c.-205G>A (NM_001024688.3); short protein forms C31Y.
Identifiers: ClinVar variation 571501 (VCV000571501.8), dbSNP rs1377520302, ClinGen allele CA371663334.
Genomic context (GRCh38, chr8:89,982,801, plus strand): 5'-TTAGCAGTTAACACAGCATGATTTCGGCTGATCGACTGATCATTTTCAATCAGAATGGCA[C>T]AGTTTTTCCTTCCAACAACGTACTCAACGCCAGTCAAAAGTCTGTATGGTTCTCCTGAGA-3'
Protein context (NP_002476.2, residues 21-41): GVEYVVGRKN[Cys31Tyr]AILIENDQSI